The following is an entry in ClinVar:

NM_014698.3(TMEM63A):c.-3G>A

Gene: TMEM63A (transmembrane protein 63A; minus strand). Cytogenetic location: 1q42.12.
Variant type: single nucleotide variant.
Coding change: c.-3G>A on transcript NM_014698.3 (MANE Select); 3 bases upstream of the start codon, G replaced by A.
Molecular consequence: 5 prime UTR variant.
Genome position (GRCh38, 1-based): chr1:225,877,583, C>T on the plus strand (G>A on the coding strand, the complement: TMEM63A is on the minus strand). VCF-style: chr1-225877583-C-T. GRCh37 (hg19) VCF-style: chr1-226065283-C-T.
Identifiers: ClinVar variation 4083829 (VCV004083829.8).

ClinVar aggregate classification (germline): Likely benign (1 of 4 stars; one submission).

Submission:

CeGaT Center for Human Genetics Tuebingen
Classification: Likely benign. Last evaluated: 2025-08-01. Review status: criteria provided, single submitter. Criteria: CeGaT Center For Human Genetics Tuebingen Variant Classification Criteria Version 2. Collection method: clinical testing. Allele origin: germline. Affected: yes. Observed: 1 variant allele.
Comment: TMEM63A: BP4, BS1